The following is an entry in ClinVar:

NM_024312.5(GNPTAB):c.933+1G>T

Gene: GNPTAB (N-acetylglucosamine-1-phosphate transferase subunits alpha and beta; minus strand). Cytogenetic location: 12q23.2.
Variant type: single nucleotide variant.
Coding change: c.933+1G>T on transcript NM_024312.5 (MANE Select); the canonical splice donor site of the intron after coding-DNA position 933, G replaced by T.
Molecular consequence: splice donor variant.
Genome position (GRCh38, 1-based): chr12:101,770,995, C>A on the plus strand (G>T on the coding strand, the complement: GNPTAB is on the minus strand). VCF-style: chr12-101770995-C-A. GRCh37 (hg19) VCF-style: chr12-102164773-C-A.
Identifiers: ClinVar variation 554235 (VCV000554235.9), dbSNP rs1327876395, ClinGen allele CA386303413.

ClinVar aggregate classification (germline): Likely pathogenic. Review status: criteria provided, single submitter (1 of 4 stars). 2 submissions from 2 submitters: Likely pathogenic (1). 1 of the submissions does not count toward it. Last evaluated 2020-05-26.

Conditions:
Mucolipidosis type II. Also called: Mucolipidosis II Alpha/Beta; Mucolipidosis 2; ML 2; Inclusion cell disease; Leroy Disease; N-acetylglucosamine 1phosphotransferase deficiency. Identifiers: Orphanet 576, MedGen C2673377, MONDO:0009650, OMIM 252500.
Pseudo-Hurler polydystrophy. Also called: MUCOLIPIDOSIS IIIA; ML IIIA; Mucolipidosis III Alpha/Beta; Type III Mucolipidosis; ML III; ML III ALPHA/BETA. Identifiers: Orphanet 423461, Orphanet 577, MedGen C0033788, MONDO:0018931, OMIM 252600.

Allele frequency attached by ClinVar (database versions not stated): gnomAD exomes below 0.00001.
gnomAD v4.1: 1 of 1,613,970 alleles (0.000062%); highest among the groups gnomAD compares: Admixed American, 0.0017%; no homozygotes.

Submissions (2):

Labcorp Genetics (formerly Invitae), Labcorp
Classification: Likely pathogenic for Pseudo-Hurler polydystrophy; Mucolipidosis type II. Last evaluated: 2020-05-26. Review status: criteria provided, single submitter. Criteria: Invitae Variant Classification Sherloc (09022015). Collection method: clinical testing. Allele origin: germline.
Comment: Donor and acceptor splice site variants typically lead to a loss of protein function (PMID: 16199547), and loss-of-function variants in GNPTAB are known to be pathogenic (PMID: 19617216, 25107912). Algorithms developed to predict the effect of sequence changes on RNA splicing suggest that this variant may disrupt the consensus splice site, but this prediction has not been confirmed by published transcriptional studies. This variant has not been reported in the literature in individuals with GNPTAB-related conditions. ClinVar contains an entry for this variant (Variation ID: 554235). This variant is not present in population databases (ExAC no frequency). This sequence change affects a donor splice site in intron 8 of the GNPTAB gene. It is expected to disrupt RNA splicing and likely results in an absent or disrupted protein product. In summary, the currently available evidence indicates that the variant is pathogenic, but additional data are needed to prove that conclusively. Therefore, this variant has been classified as Likely Pathogenic.

Counsyl
Classification: Likely pathogenic for Mucolipidosis type II; Pseudo-Hurler polydystrophy. Last evaluated: 2017-10-02. Review status: no assertion criteria provided. Collection method: clinical testing. Allele origin: unknown. Not counted in ClinVar's aggregate classification.

Literature cited by the submitters: PubMed 16199547 (cited by Labcorp Genetics (formerly Invitae), Labcorp); PubMed 19617216 (cited by Labcorp Genetics (formerly Invitae), Labcorp); PubMed 25107912 (cited by Labcorp Genetics (formerly Invitae), Labcorp).